The following is an entry in ClinVar:

ClinVar aggregate classification (germline): Uncertain significance (1 of 4 stars; one submission).

Conditions:
Creatine transporter deficiency (CCDS1). Also called: Mental retardation , X-linked with seizures, short stature and midface hypoplasia; Mental retardation , X-linked, with creatine transport deficiency; X-linked creatine transporter deficiency; X-linked creatine deficiency syndrome; SLC6A8-Related Creatine Transporter Deficiency; CREATINE TRANSPORTER DEFECT. Identifiers: Orphanet 52503, MedGen C1845862, MONDO:0010305, OMIM 300352.

Allele frequency attached by ClinVar (database versions not stated): gnomAD exomes below 0.00001; ExAC 0.00002.
gnomAD v4.1: 4 of 1,211,034 alleles (0.00033%); highest among the groups gnomAD compares: South Asian, 0.0018%; no homozygotes.

Submission:

Labcorp Genetics (formerly Invitae), Labcorp
Classification: Uncertain significance for Creatine transporter deficiency. Last evaluated: 2023-05-23. Review status: criteria provided, single submitter. Criteria: Invitae Variant Classification Sherloc (09022015). Collection method: clinical testing. Allele origin: germline.
Comment: In summary, the available evidence is currently insufficient to determine the role of this variant in disease. Therefore, it has been classified as a Variant of Uncertain Significance. Algorithms developed to predict the effect of sequence changes on RNA splicing suggest that this variant is not likely to affect RNA splicing. This variant has not been reported in the literature in individuals affected with SLC6A8-related conditions. This variant is present in population databases (rs782005255, gnomAD 0.003%), including at least one homozygous and/or hemizygous individual. This sequence change affects codon 464 of the SLC6A8 mRNA. It is a 'silent' change, meaning that it does not change the encoded amino acid sequence of the SLC6A8 protein. It affects a nucleotide within the consensus splice site.

NM_005629.4(SLC6A8):c.1392T>C (p.Asp464=)

Gene: SLC6A8 (solute carrier family 6 member 8; plus strand). Cytogenetic location: Xq28.
Variant type: single nucleotide variant.
Coding change: c.1392T>C on transcript NM_005629.4 (MANE Select); coding-DNA position 1392, T replaced by C.
Protein change: p.Asp464=; no amino-acid change (aspartic acid 464 retained).
Molecular consequence: synonymous variant.
Genome position (GRCh38, 1-based): chrX:153,694,267, T>C. VCF-style: chrX-153694267-T-C. GRCh37 (hg19) VCF-style: chrX-152959722-T-C.
Other names: c.1362T>C, p.Asp454= (NM_001142805.2); c.1047T>C, p.Asp349= (NM_001142806.1).
Identifiers: ClinVar variation 2916934 (VCV002916934.3), dbSNP rs782005255, ClinGen allele CA10549495.